The following is an entry in ClinVar:

ClinVar aggregate classification (germline): Uncertain significance (1 of 4 stars; one submission).

Conditions:
Multiple endocrine neoplasia, type 1 (MEN1). Also called: MEA I; MEN I; WERMER SYNDROME; Endocrine adenomatosis multiple; MEN 1. Identifiers: Orphanet 652, MedGen C0025267, MeSH D018761, MONDO:0007540, OMIM 131100.

Submission:

Labcorp Genetics (formerly Invitae), Labcorp
Classification: Uncertain significance for Multiple endocrine neoplasia, type 1. Last evaluated: 2021-12-09. Review status: criteria provided, single submitter. Criteria: Invitae Variant Classification Sherloc (09022015). Collection method: clinical testing. Allele origin: germline.
Comment: In summary, the available evidence is currently insufficient to determine the role of this variant in disease. Therefore, it has been classified as a Variant of Uncertain Significance. This variant is not present in population databases (gnomAD no frequency). Variants that disrupt the consensus splice site are a relatively common cause of aberrant splicing (PMID: 17576681, 9536098). Algorithms developed to predict the effect of sequence changes on RNA splicing suggest that this variant may disrupt the consensus splice site. ClinVar contains an entry for this variant (Variation ID: 641275). This variant has not been reported in the literature in individuals affected with MEN1-related conditions. This sequence change falls in intron 6 of the MEN1 gene. It does not directly change the encoded amino acid sequence of the MEN1 protein. It affects a nucleotide within the consensus splice site.

Literature cited by the submitters: PubMed 17576681; PubMed 9536098.

NM_001370259.2(MEN1):c.912+5G>A

Gene: MEN1 (menin 1; minus strand). Cytogenetic location: 11q13.1.
Variant type: single nucleotide variant.
Coding change: c.912+5G>A on transcript NM_001370259.2 (MANE Select); 5 bases into the intron after coding-DNA position 912, G replaced by A.
Molecular consequence: intron variant.
Genome position (GRCh38, 1-based): chr11:64,807,006, C>T on the plus strand (G>A on the coding strand, the complement: MEN1 is on the minus strand). VCF-style: chr11-64807006-C-T. GRCh37 (hg19) VCF-style: chr11-64574478-C-T.
Other names: c.927+5G>A (NM_130803.3, NM_000244.4, NM_130801.3 and 3 more transcripts); c.912+5G>A (NM_130799.3, NM_001370260.2, NM_001370251.2 and 1 more transcripts); c.807+5G>A (NM_001370263.2, NM_001370262.2).
Identifiers: ClinVar variation 641275 (VCV000641275.6), dbSNP rs1592646185, ClinGen allele CA915948178.